The following is an entry in ClinVar:

ClinVar aggregate classification (germline): Likely benign (1 of 4 stars; one submission).

Conditions:
ATP7A-related disorder. Also called: ATP7A-related condition.

gnomAD v4.1: 4 of 110,635 alleles (0.0036%); highest among the groups gnomAD compares: South Asian, 0.11%; no homozygotes.

Submission:

PreventionGenetics, part of Exact Sciences
Classification: Likely benign for ATP7A-related condition. Last evaluated: 2025-05-27. Review status: criteria provided, single submitter. Criteria: ACMG Guidelines, 2015. Collection method: clinical testing. Allele origin: germline.
Comment: This variant is classified as likely benign based on ACMG/AMP sequence variant interpretation guidelines (Richards et al. 2015 PMID: 25741868, with internal and published modifications).

NM_000052.7(ATP7A):c.2407-523G>A

Gene: ATP7A (ATPase copper transporting alpha; plus strand). Cytogenetic location: Xq21.1.
Variant type: single nucleotide variant.
Coding change: c.2407-523G>A on transcript NM_000052.7 (MANE Select); 523 bases into the intron before coding-DNA position 2407, G replaced by A.
Molecular consequence: intron variant.
Genome position (GRCh38, 1-based): chrX:78,014,139, G>A. VCF-style: chrX-78014139-G-A. GRCh37 (hg19) VCF-style: chrX-77269636-G-A.
Other names: c.2173-523G>A (NM_001282224.2).
Identifiers: ClinVar variation 4983210 (VCV004983210.1).